The following is an entry in ClinVar:

ClinVar aggregate classification (germline): Uncertain significance (1 of 4 stars; one submission).

gnomAD v4.1: 19 of 1,614,108 alleles (0.0012%); highest among the groups gnomAD compares: South Asian, 0.021%; 2 homozygotes.

Submission:

Ambry Genetics
Classification: Uncertain significance. Last evaluated: 2025-10-02. Review status: criteria provided, single submitter. Criteria: Ambry Variant Classification Scheme 2023. Collection method: clinical testing. Allele origin: germline.
Comment: The c.602A>G (p.H201R) alteration is located in exon 11 (coding exon 8) of the FAM208B gene. This alteration results from a A to G substitution at nucleotide position 602, causing the histidine (H) at amino acid position 201 to be replaced by an arginine (R). Based on data from gnomAD, the G allele has an overall frequency of 0.003% (8/249452) total alleles studied. The highest observed frequency was 0.026% (8/30600) of South Asian alleles. Based on insufficient or conflicting evidence, the clinical significance of this alteration remains unclear.

NM_001321783.2(TASOR2):c.602A>G (p.His201Arg)

Gene: TASOR2 (transcription activation suppressor family member 2; plus strand). Cytogenetic location: 10p15.1.
Variant type: single nucleotide variant.
Coding change: c.602A>G on transcript NM_001321783.2 (MANE Select); coding-DNA position 602, A replaced by G.
Protein change: p.His201Arg; replaces histidine 201 with arginine.
Molecular consequence: missense variant.
Genome position (GRCh38, 1-based): chr10:5,730,601, A>G. VCF-style: chr10-5730601-A-G. GRCh37 (hg19) VCF-style: chr10-5772564-A-G.
Other names: c.602A>G, p.His201Arg (NM_001321784.2, NM_001321785.2, NM_017782.5); c.1247A>G, p.His416Arg (NM_001387328.1); short protein forms H201R, H416R.
Identifiers: ClinVar variation 4592925 (VCV004592925.1).
Genomic context (GRCh38, chr10:5,730,601, plus strand): 5'-TATCTACCCTTAATTGTGCCCTGCTAGAAACAAAGAAATCACTTCCTGAAGAAAGAATCC[A>G]TCCAAACACATTAGTAAAGCGTCATTTCCAAGAATTGTACAAGGCGGACAGAAGCCCTTC-3'
Protein context (NP_001308712.2, residues 191-211): TKKSLPEERI[His201Arg]PNTLVKRHFQ